The following is an entry in ClinVar:

NM_004744.5(LRAT):c.531G>T (p.Gln177His)

Gene: LRAT (lecithin retinol acyltransferase; plus strand). Cytogenetic location: 4q32.1.
Variant type: single nucleotide variant.
Coding change: c.531G>T on transcript NM_004744.5 (MANE Select); coding-DNA position 531, G replaced by T.
Protein change: p.Gln177His; replaces glutamine 177 with histidine.
Molecular consequence: missense variant.
Genome position (GRCh38, 1-based): chr4:154,744,857, G>T. VCF-style: chr4-154744857-G-T. GRCh37 (hg19) VCF-style: chr4-155666009-G-T.
Other names: c.531G>T, p.Gln177His (NM_001301645.2); short protein forms Q177H.
Identifiers: ClinVar variation 1473191 (VCV001473191.6), dbSNP rs2111033342, ClinGen allele CA358630890.

ClinVar aggregate classification (germline): Uncertain significance (1 of 4 stars; one submission).

Submission:

Labcorp Genetics (formerly Invitae), Labcorp
Classification: Uncertain significance. Last evaluated: 2024-10-22. Review status: criteria provided, single submitter. Criteria: Invitae Variant Classification Sherloc (09022015). Collection method: clinical testing. Allele origin: germline.
Comment: This sequence change replaces glutamine, which is neutral and polar, with histidine, which is basic and polar, at codon 177 of the LRAT protein (p.Gln177His). This variant is not present in population databases (gnomAD no frequency). This variant has not been reported in the literature in individuals affected with LRAT-related conditions. ClinVar contains an entry for this variant (Variation ID: 1473191). An algorithm developed to predict the effect of missense changes on protein structure and function (PolyPhen-2) suggests that this variant is likely to be disruptive. In summary, the available evidence is currently insufficient to determine the role of this variant in disease. Therefore, it has been classified as a Variant of Uncertain Significance.